The following is an entry in ClinVar:

ClinVar aggregate classification (germline): Uncertain significance. Review status: criteria provided, single submitter (1 of 4 stars). 2 submissions from 2 submitters: Uncertain significance (1). 1 of the submissions does not count toward it. Last evaluated 2025-03-17.

Conditions:
NEFH-related disorder. Also called: NEFH-related condition.

Submissions (2):

Labcorp Genetics (formerly Invitae), Labcorp
Classification: Uncertain significance. Last evaluated: 2025-03-17. Review status: criteria provided, single submitter. Criteria: Invitae Variant Classification Sherloc (09022015). Collection method: clinical testing. Allele origin: germline.
Comment: This variant, c.595_636del, results in the deletion of 14 amino acid(s) of the NEFH protein (p.Ala199_Ala212del), but otherwise preserves the integrity of the reading frame. This variant is not present in population databases (gnomAD no frequency). This variant has not been reported in the literature in individuals affected with NEFH-related conditions. ClinVar contains an entry for this variant (Variation ID: 1398764). Experimental studies and prediction algorithms are not available or were not evaluated, and the functional significance of this variant is currently unknown. In summary, the available evidence is currently insufficient to determine the role of this variant in disease. Therefore, it has been classified as a Variant of Uncertain Significance.

PreventionGenetics, part of Exact Sciences
Classification: Uncertain significance for NEFH-related condition. Last evaluated: 2023-12-06. Review status: no assertion criteria provided. Collection method: clinical testing. Allele origin: germline. Not counted in ClinVar's aggregate classification.
Comment: The NEFH c.595_636del42 variant is predicted to result in an in-frame deletion (p.Ala199_Ala212del). To our knowledge, this variant has not been reported in the literature or in a large population database, indicating this variant is rare. At this time, the clinical significance of this variant is uncertain due to the absence of conclusive functional and genetic evidence.

NM_021076.4(NEFH):c.595_636del (p.Ala199_Ala212del)

Gene: NEFH (neurofilament heavy chain; plus strand). Cytogenetic location: 22q12.2.
Variant type: Deletion.
Coding change: c.595_636del on transcript NM_021076.4 (MANE Select); coding-DNA positions 595 to 636, 42 bases deleted.
Protein change: p.Ala199_Ala212del.
Molecular consequence: inframe deletion.
Genome position (GRCh38, 1-based): chr22:29,480,857-29,480,898, 42 bases deleted; deleting any 42 consecutive bases within chr22:29,480,840-29,480,898 gives the same sequence; the c. name uses the placement nearest the transcript's 3' end. GRCh37 (hg19): chr22:29,876,846-29,876,887.
Other names: c.595_636del42 (NM_021076.3).
Identifiers: ClinVar variation 1398764 (VCV001398764.7), dbSNP rs2063001483, ClinGen allele CA1024931222.
Genomic context (GRCh38, chr22:29,480,839, plus strand): 5'-CACCTGCTCGAGGACATCGCGCACGTGCGCCAGCGCCTAGACGACGAGGCCCGGCAGCGA[GAGGAGGCCGAGGCGGCGGCCCGCGCGCTGGCGCGCTTCGCGC>G]AGGAGGCCGAGGCGGCGCGCGTGGACCTGCAGAAGAAGGCGCAGGCGCTGCAGGAGGAGT-3'